The following is an entry in ClinVar:

ClinVar aggregate classification (germline): Likely pathogenic (1 of 4 stars; one submission).

Conditions:
Mosaic variegated aneuploidy syndrome 1 (MVA1). Also called: Warburton-Anyane-Yeboa syndrome. Identifiers: Orphanet 1052, MedGen C1850343, MONDO:0009759, OMIM 257300.

Submission:

St. Jude Molecular Pathology, St. Jude Children's Research Hospital
Classification: Likely pathogenic for Mosaic variegated aneuploidy syndrome 1. Last evaluated: 2023-03-15. Review status: criteria provided, single submitter. Criteria: St. Jude Assertion Criteria 2020. Collection method: clinical testing. Allele origin: germline.
Comment: The BUB1B c.1401G>T (p.Gln467His) missense change affects the last nucleotide of exon 10. Algorithms that predict the impact of sequence changes on splicing indicate that this change results in the loss of the native donor and may result in the strengthening or creation of an alternate donor site. This is supported by internal RNA data. To our knowledge, this variant has not been reported in individuals with mosaic variegated aneuploidy syndrome. This variant is absent in gnomAD v2.1.1. In summary, this variant meets criteria to be classified as likely pathogenic.?

NM_001211.6(BUB1B):c.1401G>T (p.Gln467His)

Gene: BUB1B (BUB1 mitotic checkpoint serine/threonine kinase B; plus strand). Cytogenetic location: 15q15.1.
Variant type: single nucleotide variant.
Coding change: c.1401G>T on transcript NM_001211.6 (MANE Select); coding-DNA position 1401, G replaced by T.
Protein change: p.Gln467His; replaces glutamine 467 with histidine.
Molecular consequence: missense variant.
Genome position (GRCh38, 1-based): chr15:40,199,727, G>T. VCF-style: chr15-40199727-G-T. GRCh37 (hg19) VCF-style: chr15-40491928-G-T.
Other names: short protein forms Q467H.
Identifiers: ClinVar variation 2503511 (VCV002503511.1), dbSNP rs2542555071, ClinGen allele CA391689332.